The following is an entry in ClinVar:

ClinVar aggregate classification (germline): Likely benign. Review status: criteria provided, multiple submitters, no conflicts (2 of 4 stars). 4 submissions from 4 submitters: Likely benign (3). 1 of the submissions does not count toward it. Last evaluated 2026-08-01.

Conditions:
PNPLA8-related disorder. Also called: PNPLA8-related condition.

Allele frequency attached by ClinVar (database versions not stated): ESP Exome Variant Server 0.00231; gnomAD 0.00235 and 0.00238; gnomAD exomes 0.00348 and 0.00360; ExAC 0.00364; 1000 Genomes Project 0.00020; 1000 Genomes Project 30x 0.00047; TOPMed 0.00204.
gnomAD v4.1: 5,600 of 1,608,444 alleles (0.35%); highest among the groups gnomAD compares: South Asian, 0.41%; 15 homozygotes.

Submissions (4):

CeGaT Center for Human Genetics Tuebingen
Classification: Likely benign. Last evaluated: 2026-08-01. Review status: criteria provided, single submitter. Criteria: CeGaT Center For Human Genetics Tuebingen Variant Classification Criteria Version 2. Collection method: clinical testing. Allele origin: germline. Affected: yes. Observed: 9 variant alleles.
Comment: PNPLA8: BP4, BS2

Labcorp Genetics (formerly Invitae), Labcorp
Classification: Likely benign. Last evaluated: 2026-02-01. Review status: criteria provided, single submitter. Criteria: Invitae Variant Classification Sherloc (09022015). Collection method: clinical testing. Allele origin: germline.

Breakthrough Genomics
Classification: Likely benign. Review status: criteria provided, single submitter. Criteria: ACMG Guidelines, 2015. Collection method: not provided. Allele origin: germline. Inheritance: Autosomal recessive inheritance. Affected: yes.

PreventionGenetics, part of Exact Sciences
Classification: Likely benign for PNPLA8-related condition. Last evaluated: 2023-10-17. Review status: no assertion criteria provided. Collection method: clinical testing. Allele origin: germline. Not counted in ClinVar's aggregate classification.
Comment: This variant is classified as likely benign based on ACMG/AMP sequence variant interpretation guidelines (Richards et al. 2015 PMID: 25741868, with internal and published modifications).

NM_001256007.3(PNPLA8):c.1135T>G (p.Cys379Gly)

Gene: PNPLA8 (patatin like domain 8, phospholipase A2; minus strand). Cytogenetic location: 7q31.1.
Variant type: single nucleotide variant.
Coding change: c.1135T>G on transcript NM_001256007.3 (MANE Select); coding-DNA position 1135, T replaced by G.
Protein change: p.Cys379Gly; replaces cysteine 379 with glycine.
Molecular consequence: missense variant.
Genome position (GRCh38, 1-based): chr7:108,514,215, A>C on the plus strand (T>G on the coding strand, the complement: PNPLA8 is on the minus strand). VCF-style: chr7-108514215-A-C. GRCh37 (hg19) VCF-style: chr7-108154659-A-C.
Other names: c.1135T>G, p.Cys379Gly (NM_001256008.3, NM_001256009.3, NM_015723.5); c.835T>G, p.Cys279Gly (NM_001256010.3, NM_001256011.3); short protein forms C279G, C379G.
Identifiers: ClinVar variation 772890 (VCV000772890.38), dbSNP rs141089628, ClinGen allele CA4439664.